The following is an entry in ClinVar:

ClinVar aggregate classification (germline): Uncertain significance (1 of 4 stars; one submission).

Conditions:
Hypertrophic cardiomyopathy. Also called: HYPERTROPHIC MYOCARDIOPATHY. Identifiers: Orphanet 217569, MedGen C0007194, MeSH D002312, MONDO:0005045, HP:0001639.

Submission:

All of Us Research Program, National Institutes of Health
Classification: Uncertain significance for Hypertrophic cardiomyopathy. Last evaluated: 2024-05-30. Review status: criteria provided, single submitter. Criteria: ACMG Guidelines, 2015. Collection method: clinical testing. Allele origin: germline. Inheritance: Autosomal dominant inheritance. Observed: 1 variant allele, 1 heterozygote.
Comment: This variant is located in the 3' untranslated region of the MYL3 gene. To our knowledge, functional studies have not been reported for this variant. This variant has not been reported in individuals affected with MYL3-related disorders in the literature. This variant has not been identified in the general population by the Genome Aggregation Database (gnomAD). The available evidence is insufficient to determine the role of this variant in disease conclusively. Therefore, this variant is classified as a Variant of Uncertain Significance.

This study involves interpretation of variants in research participants for the purpose of population health screening. Participant phenotype was not available at the time of variant classification. Additional details can be found in publication PMID: 35346344, PMCID: PMC8962531

NM_000258.3(MYL3):c.*5C>G

Gene: MYL3 (myosin light chain 3; minus strand). Cytogenetic location: 3p21.31.
Variant type: single nucleotide variant.
Coding change: c.*5C>G on transcript NM_000258.3 (MANE Select); 5 bases downstream of the stop codon, C replaced by G.
Molecular consequence: 3 prime UTR variant.
Genome position (GRCh38, 1-based): chr3:46,858,239, G>C on the plus strand (C>G on the coding strand, the complement: MYL3 is on the minus strand). VCF-style: chr3-46858239-G-C. GRCh37 (hg19) VCF-style: chr3-46899729-G-C.
Other names: c.*5C>G (NM_001406937.1, NM_001406938.1, NM_001406939.1 and 2 more transcripts).
Identifiers: ClinVar variation 3387376 (VCV003387376.1).